The following is an entry in ClinVar:

ClinVar aggregate classification (germline): Likely benign. Review status: criteria provided, multiple submitters, no conflicts (2 of 4 stars). 4 submissions from 4 submitters: Likely benign (4). Last evaluated 2026-08-01.

Conditions:
Loeys-Dietz syndrome 2 (LDS2). Also called: TGFBR2-Related Loeys-Dietz Syndrome; Marfan Syndrome type 2; Marfan like connective tissue disorder; MFS 2; Marfan syndrome, type 2 (formerly); AORTIC ANEURYSM, FAMILIAL THORACIC 3. Identifiers: Orphanet 284973, Orphanet 558, MedGen C2674574, MONDO:0012427, OMIM 610168.
Familial thoracic aortic aneurysm and aortic dissection (TAAD). Also called: Thoracic aortic aneurysms and dissections. Identifiers: Orphanet 91387, MedGen C4707243, MONDO:0019625.

Allele frequency attached by ClinVar (database versions not stated): gnomAD exomes below 0.00001.
gnomAD v4.1: 2 of 1,614,206 alleles (0.00012%); highest among the groups gnomAD compares: Middle Eastern, 0.017%; no homozygotes.

Submissions (4):

CeGaT Center for Human Genetics Tuebingen
Classification: Likely benign. Last evaluated: 2026-08-01. Review status: criteria provided, single submitter. Criteria: CeGaT Center For Human Genetics Tuebingen Variant Classification Criteria Version 2. Collection method: clinical testing. Allele origin: germline. Affected: yes. Observed: 2 variant alleles.
Comment: TGFBR2: BP4, BP7

All of Us Research Program, National Institutes of Health
Classification: Likely benign for Loeys-Dietz syndrome 2. Last evaluated: 2023-10-02. Review status: criteria provided, single submitter. Criteria: ACMG Guidelines, 2015. Collection method: clinical testing. Allele origin: germline. Inheritance: Autosomal dominant inheritance. Observed: 1 variant allele, 1 heterozygote.
Comment: This study involves interpretation of variants in research participants for the purpose of population health screening. Participant phenotype was not available at the time of variant classification. Additional details can be found in publication PMID: 35346344, PMCID: PMC8962531

Labcorp Genetics (formerly Invitae), Labcorp
Classification: Likely benign for Familial thoracic aortic aneurysm and aortic dissection. Last evaluated: 2022-02-08. Review status: criteria provided, single submitter. Criteria: Invitae Variant Classification Sherloc (09022015). Collection method: clinical testing. Allele origin: germline.

Color Diagnostics, LLC DBA Color Health
Classification: Likely benign for Familial thoracic aortic aneurysm and aortic dissection. Last evaluated: 2021-09-14. Review status: criteria provided, single submitter. Criteria: ACMG Guidelines, 2015. Collection method: clinical testing. Allele origin: germline.

NM_003242.6(TGFBR2):c.1401A>G (p.Val467=)

Gene: TGFBR2 (transforming growth factor beta receptor 2; plus strand). Cytogenetic location: 3p24.1.
Variant type: single nucleotide variant.
Coding change: c.1401A>G on transcript NM_003242.6 (MANE Select); coding-DNA position 1401, A replaced by G.
Protein change: p.Val467=; no amino-acid change (valine 467 retained).
Molecular consequence: synonymous variant.
Genome position (GRCh38, 1-based): chr3:30,688,388, A>G. VCF-style: chr3-30688388-A-G. GRCh37 (hg19) VCF-style: chr3-30729880-A-G.
Other names: c.1476A>G, p.Val492= (NM_001024847.3); c.1584A>G, p.Val528= (NM_001407126.1); c.1509A>G, p.Val503= (NM_001407127.1); c.1428A>G, p.Val476= (NM_001407128.1); c.1404A>G, p.Val468= (NM_001407129.1); c.1398A>G, p.Val466= (NM_001407130.1); c.1296A>G, p.Val432= (NM_001407132.1, NM_001407133.1, NM_001407134.1 and 2 more transcripts); c.1116A>G, p.Val372= (NM_001407137.1); and 2 more.
Identifiers: ClinVar variation 1298910 (VCV001298910.44), dbSNP rs2125451595, ClinGen allele CA432917794.